The following is an entry in ClinVar:

NM_001159773.2(CANT1):c.1063G>A (p.Asp355Asn)

Gene: CANT1 (calcium activated nucleotidase 1; minus strand). Cytogenetic location: 17q25.3.
Variant type: single nucleotide variant.
Coding change: c.1063G>A on transcript NM_001159773.2 (MANE Select); coding-DNA position 1063, G replaced by A.
Protein change: p.Asp355Asn; replaces aspartic acid 355 with asparagine.
Molecular consequence: missense variant.
Genome position (GRCh38, 1-based): chr17:78,993,693, C>T on the plus strand (G>A on the coding strand, the complement: CANT1 is on the minus strand). VCF-style: chr17-78993693-C-T. GRCh37 (hg19) VCF-style: chr17-76989775-C-T.
Other names: c.1063G>A, p.Asp355Asn (NM_001159772.2, NM_138793.4); c.1063G>A (NM_138793.3); short protein forms D355N.
Identifiers: ClinVar variation 994440 (VCV000994440.19), dbSNP rs145516713, ClinGen allele CA8808527.

ClinVar aggregate classification (germline): Conflicting classifications of pathogenicity. Review status: criteria provided, conflicting classifications (1 of 4 stars). 3 submissions from 3 submitters: Uncertain significance (2); Likely benign (1). Last evaluated 2026-01-13.

Conditions:
Inborn genetic diseases. Identifiers: MedGen C0950123, MeSH D030342.

Allele frequency attached by ClinVar (database versions not stated): 1000 Genomes Project 0.00040; ExAC 0.00045; gnomAD exomes 0.00052 and 0.00056; 1000 Genomes Project 30x 0.00062; ESP Exome Variant Server 0.00085.
gnomAD v4.1: 843 of 1,614,180 alleles (0.052%); highest among the groups gnomAD compares: Admixed American, 0.24%; 1 homozygote.

Submissions (3):

Labcorp Genetics (formerly Invitae), Labcorp
Classification: Likely benign. Last evaluated: 2026-01-13. Review status: criteria provided, single submitter. Criteria: Invitae Variant Classification Sherloc (09022015). Collection method: clinical testing. Allele origin: germline.

Ambry Genetics
Classification: Uncertain significance for Inborn genetic diseases. Last evaluated: 2021-08-02. Review status: criteria provided, single submitter. Criteria: Ambry Variant Classification Scheme 2023. Collection method: clinical testing. Allele origin: germline.

ARUP Laboratories, Molecular Genetics and Genomics, ARUP Laboratories
Classification: Uncertain significance. Last evaluated: 2019-11-22. Review status: criteria provided, single submitter. Criteria: ARUP Molecular Germline Variant Investigation Process. Collection method: clinical testing. Allele origin: germline.
Comment: The CANT1 c.1063G>A; p.Asp355Asn variant (rs145516713), to our knowledge, is not reported in the medical literature or gene specific databases. This variant is found in the general population with an overall allele frequency of 0.052% (148/282762 alleles) in the Genome Aggregation Database. The aspartic acid at codon 355 is highly conserved, and computational analyses (SIFT, PolyPhen-2) predict that this variant is deleterious. Due to limited information, the clinical significance of the p.Asp355Asn variant is uncertain at this time.